The following is an entry in ClinVar:

NC_000014.9:g.(?_75958692)_(75965705_?)del

Genes: TGFB3 (transforming growth factor beta 3; minus strand), LOC130056139 (ATAC-STARR-seq lymphoblastoid silent region 5952; plus strand). Cytogenetic location: 14q24.3.
Variant type: Deletion.
Identifiers: ClinVar variation 665632 (VCV000665632.2).

ClinVar aggregate classification (germline): Likely pathogenic (1 of 4 stars; one submission).

Conditions:
Loeys-Dietz syndrome 4 (LDS4). Also called: TGFB2-Related Loeys-Dietz Syndrome; ANEURYSM, AORTIC AND CEREBRAL, WITH ARTERIAL TORTUOSITY AND SKELETAL MANIFESTATIONS. Identifiers: MedGen C3553762, MONDO:0013897, OMIM 614816.

Submission:

Labcorp Genetics (formerly Invitae), Labcorp
Classification: Likely pathogenic for Loeys-Dietz syndrome 4. Last evaluated: 2019-04-25. Review status: criteria provided, single submitter. Criteria: Invitae Variant Classification Sherloc (09022015). Collection method: clinical testing. Allele origin: germline.
Comment: This variant is a gross deletion of the genomic region encompassing exons 4-7 of the TGFB3 gene. The 5' boundary is likely confined to intron 3. The 3' end of this event is unknown as it extends through the termination codon beyond the assayed region for this gene and may encompass additional genes. While this deletion is not anticipated to result in nonsense mediated decay, it is expected to create a truncated protein product or disrupt mRNA translation. This variant has not been reported in the literature in individuals with TGFB3-related conditions. This variant disrupts the p.Arg300 amino acid residue in TGFB3. Other variant(s) that disrupt this residue have been observed in individuals with TGFB3-related conditions (PMID: 24798638, 28425089, 25835445, 2618446), suggesting that it is a clinically significant residue. As a result, variants that disrupt this residue are likely to be causative of disease. In summary, the currently available evidence indicates that the variant is pathogenic, but additional data are needed to prove that conclusively. Therefore, this variant has been classified as Likely Pathogenic.

Literature cited by the submitters: PubMed 28425089; PubMed 24798638; PubMed 2618446; PubMed 25835445.